The following is an entry in ClinVar:

NM_001292063.2(OTOG):c.6217C>T (p.Pro2073Ser)

Gene: OTOG (otogelin; plus strand). Cytogenetic location: 11p15.1.
Variant type: single nucleotide variant.
Coding change: c.6217C>T on transcript NM_001292063.2 (MANE Select); coding-DNA position 6217, C replaced by T.
Protein change: p.Pro2073Ser; replaces proline 2073 with serine.
Molecular consequence: missense variant.
Genome position (GRCh38, 1-based): chr11:17,612,255, C>T. VCF-style: chr11-17612255-C-T. GRCh37 (hg19) VCF-style: chr11-17633802-C-T.
Other names: c.6253C>T, p.Pro2085Ser (NM_001277269.2); short protein forms P2073S, P2085S.
Identifiers: ClinVar variation 1310298 (VCV001310298.17), dbSNP rs752786692, ClinGen allele CA218478210.

ClinVar aggregate classification (germline): Uncertain significance. Review status: criteria provided, multiple submitters, no conflicts (2 of 4 stars). 3 submissions from 3 submitters: Uncertain significance (3). Last evaluated 2025-07-29.

Allele frequency attached by ClinVar (database versions not stated): gnomAD 0.00003 and 0.00004; gnomAD exomes 0.00003 and 0.00011; TOPMed 0.00005.
gnomAD v4.1: 160 of 1,546,862 alleles (0.01%); highest among the groups gnomAD compares: Non-Finnish European, 0.014%; no homozygotes.

Submissions (3):

Labcorp Genetics (formerly Invitae), Labcorp
Classification: Uncertain significance. Last evaluated: 2025-07-29. Review status: criteria provided, single submitter. Criteria: Invitae Variant Classification Sherloc (09022015). Collection method: clinical testing. Allele origin: germline.
Comment: This sequence change replaces proline, which is neutral and non-polar, with serine, which is neutral and polar, at codon 2085 of the OTOG protein (p.Pro2085Ser). This variant is present in population databases (rs752786692, gnomAD 0.008%). This variant has not been reported in the literature in individuals affected with OTOG-related conditions. ClinVar contains an entry for this variant (Variation ID: 1310298). An algorithm developed to predict the effect of missense changes on protein structure and function (PolyPhen-2) suggests that this variant is likely to be tolerated. In summary, the available evidence is currently insufficient to determine the role of this variant in disease. Therefore, it has been classified as a Variant of Uncertain Significance.

CeGaT Center for Human Genetics Tuebingen
Classification: Uncertain significance. Last evaluated: 2025-04-01. Review status: criteria provided, single submitter. Criteria: CeGaT Center For Human Genetics Tuebingen Variant Classification Criteria Version 2. Collection method: clinical testing. Allele origin: germline. Affected: yes. Observed: 1 variant allele.
Comment: OTOG: PM2, BP4

GeneDx
Classification: Uncertain significance. Last evaluated: 2022-02-24. Review status: criteria provided, single submitter. Criteria: GeneDx Variant Classification Process June 2021. Collection method: clinical testing. Allele origin: germline. Affected: yes.
Comment: In silico analysis, which includes protein predictors and evolutionary conservation, supports that this variant does not alter protein structure/function; Has not been previously published as pathogenic or benign to our knowledge